The following is an entry in ClinVar:

NM_018238.4(AGK):c.424-5C>T

Gene: AGK (acylglycerol kinase; plus strand). Cytogenetic location: 7q34.
Variant type: single nucleotide variant.
Coding change: c.424-5C>T on transcript NM_018238.4 (MANE Select); 5 bases into the intron before coding-DNA position 424, C replaced by T.
Molecular consequence: intron variant.
Genome position (GRCh38, 1-based): chr7:141,615,466, C>T. VCF-style: chr7-141615466-C-T. GRCh37 (hg19) VCF-style: chr7-141315266-C-T.
Other names: c.424-5C>T (NM_001364948.3).
Identifiers: ClinVar variation 359057 (VCV000359057.55), dbSNP rs113599212, ClinGen allele CA4517455.

ClinVar aggregate classification (germline): Benign/Likely benign. Review status: criteria provided, multiple submitters, no conflicts (2 of 4 stars). 8 submissions from 7 submitters: Benign (2); Likely benign (4). 2 of the submissions do not count toward it. Last evaluated 2026-01-28.

Conditions:
Sengers syndrome. Also called: MITOCHONDRIAL DNA DEPLETION SYNDROME 10 (CARDIOMYOPATHIC TYPE); Cardiomyopathy and cataract. Identifiers: Orphanet 1369, MedGen C1859317, MONDO:0008922, OMIM 212350.
Cataract 38. Also called: Cataract, autosomal recessive congenital 5; Cataract 38, autosomal recessive. Identifiers: Orphanet 91492, MedGen C3553494, MONDO:0013859, OMIM 614691.
AGK-related disorder. Also called: AGK-related condition; AGK-related disorders. Identifiers: MedGen CN239194.

Allele frequency attached by ClinVar (database versions not stated): 1000 Genomes Project 30x 0.00156; 1000 Genomes Project 0.00180; TOPMed 0.00221; ESP Exome Variant Server 0.00246.
gnomAD v4.1: 855 of 1,612,492 alleles (0.053%); highest among the groups gnomAD compares: African/African-American, 0.82%; 7 homozygotes.

Submissions (8):

Labcorp Genetics (formerly Invitae), Labcorp
Classification: Benign for Sengers syndrome; Cataract 38. Last evaluated: 2026-01-28. Review status: criteria provided, single submitter. Criteria: Invitae Variant Classification Sherloc (09022015). Collection method: clinical testing. Allele origin: germline.

Blueprint Genetics
Classification: Likely benign. Last evaluated: 2024-09-23. Review status: criteria provided, single submitter. Criteria: ACMG Guidelines, 2015. Collection method: clinical testing. Allele origin: germline.

GeneDx
Classification: Benign. Last evaluated: 2020-11-12. Review status: criteria provided, single submitter. Criteria: GeneDx Variant Classification Process June 2021. Collection method: clinical testing. Allele origin: germline. Affected: yes.

CeGaT Center for Human Genetics Tuebingen
Classification: Likely benign. Last evaluated: 2020-10-01. Review status: criteria provided, single submitter. Criteria: CeGaT Center For Human Genetics Tuebingen Variant Classification Criteria Version 2. Collection method: clinical testing. Allele origin: germline. Affected: yes. Observed: 1 variant allele.

Illumina Laboratory Services, Illumina
Classification: Likely benign for Sengers syndrome. Last evaluated: 2018-01-13. Review status: criteria provided, single submitter. Criteria: ICSL Variant Classification Criteria 13 December 2019. Collection method: clinical testing. Allele origin: germline.
Comment: This variant was observed in the ICSL laboratory as part of a predisposition screen in an ostensibly healthy population. It had not been previously curated by ICSL or reported in the Human Gene Mutation Database (HGMD: prior to June 1st, 2018), and was therefore a candidate for classification through an automated scoring system. Utilizing variant allele frequency, disease prevalence and penetrance estimates, and inheritance mode, an automated score was calculated to assess if this variant is too frequent to cause the disease. Based on the score and internal cut-off values, a variant classified as likely benign is not then subjected to further curation. The score for this variant resulted in a classification of likely benign for this disease.

Illumina Laboratory Services, Illumina
Classification: Likely benign for Cataract 38. Last evaluated: 2018-01-13. Review status: criteria provided, single submitter. Criteria: ICSL Variant Classification Criteria 13 December 2019. Collection method: clinical testing. Allele origin: germline.
Comment: the same text as in the submission from Illumina Laboratory Services, Illumina above.

PreventionGenetics, part of Exact Sciences
Classification: Benign for AGK-related condition. Last evaluated: 2022-11-29. Review status: no assertion criteria provided. Collection method: clinical testing. Allele origin: germline. Not counted in ClinVar's aggregate classification.
Comment: This variant is classified as benign based on ACMG/AMP sequence variant interpretation guidelines (Richards et al. 2015 PMID: 25741868, with internal and published modifications).

Mayo Clinic Laboratories, Mayo Clinic
Classification: Likely benign. Last evaluated: 2018-01-11. Review status: no assertion criteria provided. Collection method: clinical testing. Allele origin: unknown. Not counted in ClinVar's aggregate classification.